The following is an entry in ClinVar:

NM_001040716.2(PC):c.1354G>A (p.Val452Ile)

Gene: PC (pyruvate carboxylase; minus strand). Cytogenetic location: 11q13.2.
Variant type: single nucleotide variant.
Coding change: c.1354G>A on transcript NM_001040716.2 (MANE Select); coding-DNA position 1354, G replaced by A.
Protein change: p.Val452Ile; replaces valine 452 with isoleucine.
Molecular consequence: missense variant.
Genome position (GRCh38, 1-based): chr11:66,863,788, C>T on the plus strand (G>A on the coding strand, the complement: PC is on the minus strand). VCF-style: chr11-66863788-C-T. GRCh37 (hg19) VCF-style: chr11-66631259-C-T.
Other names: c.1354G>A, p.Val452Ile (NM_000920.4, NM_022172.3); c.1354G>A (NM_000920.3); short protein forms V452I.
Identifiers: ClinVar variation 377315 (VCV000377315.7), dbSNP rs779387492, ClinGen allele CA6131912.

ClinVar aggregate classification (germline): Uncertain significance. Review status: criteria provided, multiple submitters, no conflicts (2 of 4 stars). 3 submissions from 3 submitters: Uncertain significance (3). Last evaluated 2024-05-21.

Conditions:
Inborn genetic diseases. Identifiers: MedGen C0950123, MeSH D030342.
Pyruvate carboxylase deficiency. Also called: LEIGH NECROTIZING ENCEPHALOPATHY DUE TO PYRUVATE CARBOXYLASE DEFICIENCY; LEIGH SYNDROME DUE TO PYRUVATE CARBOXYLASE DEFICIENCY; PC DEFICIENCY; Pyruvate Carboxylase Deficiency Disease; ATAXIA WITH LACTIC ACIDOSIS II. Identifiers: Orphanet 3008, MedGen C0034341, MONDO:0009949, OMIM 266150.

Allele frequency attached by ClinVar (database versions not stated): gnomAD 0.00002 and 0.00003; ExAC 0.00004; gnomAD exomes 0.00004; TOPMed 0.00004.
gnomAD v4.1: 68 of 1,611,154 alleles (0.0042%); highest among the groups gnomAD compares: Middle Eastern, 0.017%; no homozygotes.

Submissions (3):

Labcorp Genetics (formerly Invitae), Labcorp
Classification: Uncertain significance for Pyruvate carboxylase deficiency. Last evaluated: 2024-05-21. Review status: criteria provided, single submitter. Criteria: Invitae Variant Classification Sherloc (09022015). Collection method: clinical testing. Allele origin: germline.
Comment: This sequence change replaces valine, which is neutral and non-polar, with isoleucine, which is neutral and non-polar, at codon 452 of the PC protein (p.Val452Ile). This variant is present in population databases (rs779387492, gnomAD 0.009%). This variant has not been reported in the literature in individuals affected with PC-related conditions. ClinVar contains an entry for this variant (Variation ID: 377315). Advanced modeling of protein sequence and biophysical properties (such as structural, functional, and spatial information, amino acid conservation, physicochemical variation, residue mobility, and thermodynamic stability) performed at Invitae indicates that this missense variant is not expected to disrupt PC protein function with a negative predictive value of 95%. In summary, the available evidence is currently insufficient to determine the role of this variant in disease. Therefore, it has been classified as a Variant of Uncertain Significance.

Ambry Genetics
Classification: Uncertain significance for Inborn genetic diseases. Last evaluated: 2023-09-21. Review status: criteria provided, single submitter. Criteria: Ambry Variant Classification Scheme 2023. Collection method: clinical testing. Allele origin: germline.

Center for Pediatric Genomic Medicine, Children's Mercy Hospital and Clinics
Classification: Uncertain significance. Last evaluated: 2016-09-08. Review status: criteria provided, single submitter. Criteria: ACMG Guidelines, 2015. Collection method: clinical testing. Allele origin: germline.
ClinVar note: Converted during submission from Uncertain Significance to Uncertain significance.